The following is an entry in ClinVar:

NM_003737.4(DCHS1):c.5000C>T (p.Ser1667Phe)

Gene: DCHS1 (dachsous cadherin-related 1; minus strand). Cytogenetic location: 11p15.4.
Variant type: single nucleotide variant.
Coding change: c.5000C>T on transcript NM_003737.4 (MANE Select); coding-DNA position 5000, C replaced by T.
Protein change: p.Ser1667Phe; replaces serine 1667 with phenylalanine.
Molecular consequence: missense variant.
Genome position (GRCh38, 1-based): chr11:6,629,707, G>A on the plus strand (C>T on the coding strand, the complement: DCHS1 is on the minus strand). VCF-style: chr11-6629707-G-A. GRCh37 (hg19) VCF-style: chr11-6650938-G-A.
Other names: c.5000C>T (NM_003737.2); short protein forms S1667F.
Identifiers: ClinVar variation 2823275 (VCV002823275.4), dbSNP rs975716238, ClinGen allele CA217297738.

ClinVar aggregate classification (germline): Uncertain significance. Review status: criteria provided, multiple submitters, no conflicts (2 of 4 stars). 2 submissions from 2 submitters: Uncertain significance (2). Last evaluated 2026-01-04.

Conditions:
Inborn genetic diseases. Identifiers: MedGen C0950123, MeSH D030342.

Allele frequency attached by ClinVar (database versions not stated): TOPMed 0.00001; gnomAD exomes below 0.00001; gnomAD 0.00001.
gnomAD v4.1: 4 of 1,613,722 alleles (0.00025%); highest among the groups gnomAD compares: African/African-American, 0.0013%; no homozygotes.

Submissions (2):

Labcorp Genetics (formerly Invitae), Labcorp
Classification: Uncertain significance. Last evaluated: 2026-01-04. Review status: criteria provided, single submitter. Criteria: Invitae Variant Classification Sherloc (09022015). Collection method: clinical testing. Allele origin: germline.
Comment: This sequence change replaces serine, which is neutral and polar, with phenylalanine, which is neutral and non-polar, at codon 1667 of the DCHS1 protein (p.Ser1667Phe). This variant is not present in population databases (gnomAD no frequency). This variant has not been reported in the literature in individuals affected with DCHS1-related conditions. ClinVar contains an entry for this variant (Variation ID: 2823275). Invitae Evidence Modeling of protein sequence and biophysical properties (such as structural, functional, and spatial information, amino acid conservation, physicochemical variation, residue mobility, and thermodynamic stability) indicates that this missense variant is not expected to disrupt DCHS1 protein function with a negative predictive value of 80%. In summary, the available evidence is currently insufficient to determine the role of this variant in disease. Therefore, it has been classified as a Variant of Uncertain Significance.

Ambry Genetics
Classification: Uncertain significance for Inborn genetic diseases. Last evaluated: 2025-10-15. Review status: criteria provided, single submitter. Criteria: Ambry Variant Classification Scheme 2023. Collection method: clinical testing. Allele origin: germline.